The following is an entry in ClinVar:

ClinVar aggregate classification (germline): Conflicting classifications of pathogenicity. Review status: criteria provided, conflicting classifications (1 of 4 stars). 5 submissions from 5 submitters: Uncertain significance (2); Likely benign (2). 1 of the submissions does not count toward it. Last evaluated 2025-11-07.

Conditions:
Primary ciliary dyskinesia 3. Identifiers: Orphanet 244, MedGen C1837618, MONDO:0012085, OMIM 608644.
DNAH5-related disorder. Also called: DNAH5-related condition.
Primary ciliary dyskinesia. Also called: Ciliary dyskinesia. Identifiers: Orphanet 244, MedGen C0008780, MONDO:0016575, HP:0012265.

Allele frequency attached by ClinVar (database versions not stated): gnomAD exomes 0.00005 and 0.00014; ExAC 0.00023; gnomAD 0.00070 and 0.00077; TOPMed 0.00078; 1000 Genomes Project 0.00080; ESP Exome Variant Server 0.00100; 1000 Genomes Project 30x 0.00109.
gnomAD v4.1: 194 of 1,613,988 alleles (0.012%); highest among the groups gnomAD compares: African/African-American, 0.23%; 1 homozygote.

Submissions (5):

PreventionGenetics, part of Exact Sciences
Classification: Likely benign for DNAH5-related condition. Last evaluated: 2025-11-07. Review status: criteria provided, single submitter. Criteria: ACMG Guidelines, 2015. Collection method: clinical testing. Allele origin: germline.
Comment: This variant is classified as likely benign based on ACMG/AMP sequence variant interpretation guidelines (Richards et al. 2015 PMID: 25741868, with internal and published modifications).

Labcorp Genetics (formerly Invitae), Labcorp
Classification: Likely benign for Primary ciliary dyskinesia. Last evaluated: 2025-09-10. Review status: criteria provided, single submitter. Criteria: Invitae Variant Classification Sherloc (09022015). Collection method: clinical testing. Allele origin: germline.

Johns Hopkins Genomics, Johns Hopkins University
Classification: Uncertain significance for Primary ciliary dyskinesia 3. Last evaluated: 2023-12-04. Review status: criteria provided, single submitter. Criteria: ACMG Guidelines, 2015. Collection method: clinical testing. Allele origin: germline.

Eurofins Ntd Llc (ga)
Classification: Uncertain significance. Last evaluated: 2018-03-06. Review status: criteria provided, single submitter. Criteria: EGL ClinVar v180209 classification definitions. Collection method: clinical testing. Allele origin: germline. Observed: 1 variant allele, 1 heterozygote.

Natera, Inc.
Classification: Uncertain significance for Primary ciliary dyskinesia. Last evaluated: 2019-10-28. Review status: no assertion criteria provided. Collection method: clinical testing. Allele origin: germline. Not counted in ClinVar's aggregate classification.

NM_001369.3(DNAH5):c.9203A>G (p.Glu3068Gly)

Gene: DNAH5 (dynein axonemal heavy chain 5; minus strand). Cytogenetic location: 5p15.2.
Variant type: single nucleotide variant.
Coding change: c.9203A>G on transcript NM_001369.3 (MANE Select); coding-DNA position 9203, A replaced by G.
Protein change: p.Glu3068Gly; replaces glutamic acid 3068 with glycine.
Molecular consequence: missense variant.
Genome position (GRCh38, 1-based): chr5:13,776,609, T>C on the plus strand (A>G on the coding strand, the complement: DNAH5 is on the minus strand). VCF-style: chr5-13776609-T-C. GRCh37 (hg19) VCF-style: chr5-13776718-T-C.
Other names: short protein forms E3068G.
Identifiers: ClinVar variation 596467 (VCV000596467.21), dbSNP rs141571121, ClinGen allele CA3202596.